The following is an entry in ClinVar:

ClinVar aggregate classification (germline): Likely pathogenic (1 of 4 stars; one submission).

Conditions:
Very long chain acyl-CoA dehydrogenase deficiency (ACADVLD). Also called: Very Long-Chain Acyl-Coenzyme A Dehydrogenase Deficiency; VLCAD Deficiency. Identifiers: Orphanet 26793, MedGen C3887523, MONDO:0008723, OMIM 201475.

Submission:

Labcorp Genetics (formerly Invitae), Labcorp
Classification: Likely pathogenic for Very long chain acyl-CoA dehydrogenase deficiency. Last evaluated: 2025-10-26. Review status: criteria provided, single submitter. Criteria: Invitae Variant Classification Sherloc (09022015). Collection method: clinical testing. Allele origin: germline.
Comment: This sequence change replaces valine, which is neutral and non-polar, with aspartic acid, which is acidic and polar, at codon 326 of the ACADVL protein (p.Val326Asp). This variant is not present in population databases (gnomAD no frequency). This missense change has been observed in individual(s) with very long chain acyl-CoA dehydrogenase deficiency (internal data). ClinVar contains an entry for this variant (Variation ID: 1372290). Invitae Evidence Modeling of protein sequence and biophysical properties (such as structural, functional, and spatial information, amino acid conservation, physicochemical variation, residue mobility, and thermodynamic stability) indicates that this missense variant is not expected to disrupt ACADVL protein function with a negative predictive value of 80%. In summary, the currently available evidence indicates that the variant is pathogenic, but additional data are needed to prove that conclusively. Therefore, this variant has been classified as Likely Pathogenic.

NM_000018.4(ACADVL):c.977T>A (p.Val326Asp)

Gene: ACADVL (acyl-CoA dehydrogenase very long chain; plus strand). Cytogenetic location: 17p13.1.
Variant type: single nucleotide variant.
Coding change: c.977T>A on transcript NM_000018.4 (MANE Select); coding-DNA position 977, T replaced by A.
Protein change: p.Val326Asp; replaces valine 326 with aspartic acid.
Molecular consequence: missense variant.
Genome position (GRCh38, 1-based): chr17:7,222,765, T>A. VCF-style: chr17-7222765-T-A. GRCh37 (hg19) VCF-style: chr17-7126084-T-A.
Other names: c.911T>A, p.Val304Asp (NM_001033859.3); c.1046T>A, p.Val349Asp (NM_001270447.2); c.749T>A, p.Val250Asp (NM_001270448.2); short protein forms V349D, V250D, V326D, V304D.
Identifiers: ClinVar variation 1372290 (VCV001372290.6), dbSNP rs1205407134, ClinGen allele CA397724086.